The following is an entry in ClinVar:

NM_001365480.1(CCDC88A):c.2407C>G (p.Leu803Val)

Gene: CCDC88A (coiled-coil domain containing 88A; minus strand). Cytogenetic location: 2p16.1.
Variant type: single nucleotide variant.
Coding change: c.2407C>G on transcript NM_001365480.1 (MANE Select); coding-DNA position 2407, C replaced by G.
Protein change: p.Leu803Val; replaces leucine 803 with valine.
Molecular consequence: missense variant.
Genome position (GRCh38, 1-based): chr2:55,334,414, G>C on the plus strand (C>G on the coding strand, the complement: CCDC88A is on the minus strand). VCF-style: chr2-55334414-G-C. GRCh37 (hg19) VCF-style: chr2-55561550-G-C.
Other names: c.2407C>G, p.Leu803Val (NM_001135597.2, NM_001254943.2, NM_018084.5); short protein forms L803V.
Identifiers: ClinVar variation 1994978 (VCV001994978.3), dbSNP rs1685255344, ClinGen allele CA346899620.

ClinVar aggregate classification (germline): Uncertain significance (1 of 4 stars; one submission).

Submission:

Labcorp Genetics (formerly Invitae), Labcorp
Classification: Uncertain significance. Last evaluated: 2022-05-22. Review status: criteria provided, single submitter. Criteria: Invitae Variant Classification Sherloc (09022015). Collection method: clinical testing. Allele origin: germline.
Comment: In summary, the available evidence is currently insufficient to determine the role of this variant in disease. Therefore, it has been classified as a Variant of Uncertain Significance. Algorithms developed to predict the effect of missense changes on protein structure and function are either unavailable or do not agree on the potential impact of this missense change (SIFT: "Deleterious"; PolyPhen-2: "Probably Damaging"; Align-GVGD: "Class C0"). This variant has not been reported in the literature in individuals affected with CCDC88A-related conditions. This variant is not present in population databases (gnomAD no frequency). This sequence change replaces leucine, which is neutral and non-polar, with valine, which is neutral and non-polar, at codon 803 of the CCDC88A protein (p.Leu803Val).